The following is an entry in ClinVar:

NM_001267550.2(TTN):c.58294C>T (p.Arg19432Cys)

Genes: TTN (titin; minus strand), TTN-AS1 (TTN antisense RNA 1; plus strand). Cytogenetic location: 2q31.2.
Variant type: single nucleotide variant.
Coding change: c.58294C>T on transcript NM_001267550.2 (MANE Select); coding-DNA position 58294, C replaced by T.
Protein change: p.Arg19432Cys; replaces arginine 19432 with cysteine.
Molecular consequence: missense variant.
Genome position (GRCh38, 1-based): chr2:178,594,099, G>A on the plus strand (C>T on the coding strand, the complement: TTN is on the minus strand). VCF-style: chr2-178594099-G-A. GRCh37 (hg19) VCF-style: chr2-179458826-G-A.
Other names: c.53371C>T, p.Arg17791Cys (NM_001256850.1); c.31099C>T, p.Arg10367Cys (NM_003319.4); c.50590C>T, p.Arg16864Cys (NM_133378.4); c.31474C>T, p.Arg10492Cys (NM_133432.3); c.31675C>T, p.Arg10559Cys (NM_133437.4); short protein forms R10367C, R10492C, R10559C, R16864C, R17791C, R19432C.
Identifiers: ClinVar variation 4076463 (VCV004076463.1).

ClinVar aggregate classification (germline): Likely benign (1 of 4 stars; one submission).

gnomAD v4.1: 6 of 1,613,254 alleles (0.00037%); highest among the groups gnomAD compares: Non-Finnish European, 0.00034%; no homozygotes.

Submission:

Molecular Diagnostic Laboratory for Inherited Cardiovascular Disease, Montreal Heart Institute
Classification: Likely benign. Last evaluated: 2025-07-24. Review status: criteria provided, single submitter. Criteria: ACMG Guidelines, 2015. Collection method: clinical testing. Allele origin: germline. Affected: no.
Comment: BP1